The following is an entry in ClinVar:

NM_003000.3(SDHB):c.73-11A>G

Gene: SDHB (succinate dehydrogenase complex iron sulfur subunit B; minus strand). Cytogenetic location: 1p36.13.
Variant type: single nucleotide variant.
Coding change: c.73-11A>G on transcript NM_003000.3 (MANE Select); 11 bases into the intron before coding-DNA position 73, A replaced by G.
Molecular consequence: intron variant.
Genome position (GRCh38, 1-based): chr1:17,044,899, T>C on the plus strand (A>G on the coding strand, the complement: SDHB is on the minus strand). VCF-style: chr1-17044899-T-C. GRCh37 (hg19) VCF-style: chr1-17371394-T-C.
Other names: c.73-11A>G (NM_001407361.1).
Identifiers: ClinVar variation 3757337 (VCV003757337.2).

ClinVar aggregate classification (germline): Uncertain significance (1 of 4 stars; one submission).

Conditions:
Pheochromocytoma. Also called: MAX-Related Hereditary Paraganglioma-Pheochromocytoma Syndrome. Identifiers: Orphanet 29072, MedGen C0031511, MONDO:0008233, OMIM 171300, HP:0002666.
Pheochromocytoma/paraganglioma syndrome 4. Also called: CAROTID BODY TUMORS AND MULTIPLE EXTRAADRENAL PHEOCHROMOCYTOMAS; PARAGANGLIOMA, FAMILIAL MALIGNANT; PARAGANGLIOMAS, HEREDITARY EXTRAADRENAL; PHEOCHROMOCYTOMA, FAMILIAL EXTRAADRENAL; Paragangliomas 4; SDHB-Related Hereditary Paraganglioma-Pheochromocytoma Syndrome (Paragangliomas 4). Identifiers: Orphanet 29072, MedGen C1861848, MONDO:0007273, OMIM 115310.
Gastrointestinal stromal tumor. Also called: Gastrointestinal stromal tumor, somatic; Gastrointestinal stroma tumor. Identifiers: Orphanet 44890, MedGen C0238198, MeSH D046152, MONDO:0011719, OMIM 606764, HP:0100723.

Submission:

Labcorp Genetics (formerly Invitae), Labcorp
Classification: Uncertain significance for Gastrointestinal stromal tumor; Pheochromocytoma/paraganglioma syndrome 4; Pheochromocytoma. Last evaluated: 2025-07-27. Review status: criteria provided, single submitter. Criteria: Invitae Variant Classification Sherloc (09022015). Collection method: clinical testing. Allele origin: germline.
Comment: This sequence change falls in intron 1 of the SDHB gene. It does not directly change the encoded amino acid sequence of the SDHB protein. This variant is not present in population databases (gnomAD no frequency). This variant has been observed in individuals with paraganglioma (external communication, internal data). ClinVar contains an entry for this variant (Variation ID: 3757337). Studies have shown that this variant is associated with inconclusive levels of altered splicing (internal data). In summary, the available evidence is currently insufficient to determine the role of this variant in disease. Therefore, it has been classified as a Variant of Uncertain Significance.